The following is an entry in ClinVar:

NM_004329.3(BMPR1A):c.691G>A (p.Ala231Thr)

Gene: BMPR1A (bone morphogenetic protein receptor type 1A; plus strand). Cytogenetic location: 10q23.2.
Variant type: single nucleotide variant.
Coding change: c.691G>A on transcript NM_004329.3 (MANE Select); coding-DNA position 691, G replaced by A.
Protein change: p.Ala231Thr; replaces alanine 231 with threonine.
Molecular consequence: missense variant. On other transcripts: non-coding transcript variant (3).
Genome position (GRCh38, 1-based): chr10:86,917,149, G>A. VCF-style: chr10-86917149-G-A. GRCh37 (hg19) VCF-style: chr10-88676906-G-A.
Other names: c.766G>A, p.Ala256Thr (NM_001406559.1); c.739G>A, p.Ala247Thr (NM_001406560.1); c.691G>A, p.Ala231Thr (NM_001406561.1, NM_001406562.1, NM_001406563.1 and 19 more transcripts); c.685G>A, p.Ala229Thr (NM_001406583.1); c.607G>A, p.Ala203Thr (NM_001406584.1, NM_001406585.1, NM_001406586.1 and 2 more transcripts); c.349G>A, p.Ala117Thr (NM_001406589.1); short protein forms A117T, A203T, A229T, A231T, A247T, A256T.
Identifiers: ClinVar variation 4757454 (VCV004757454.1).

ClinVar aggregate classification (germline): Uncertain significance (1 of 4 stars; one submission).

Conditions:
Hereditary cancer-predisposing syndrome. Also called: Tumor predisposition; Hereditary Cancer Syndrome; Neoplastic Syndromes, Hereditary; Hereditary neoplastic syndrome. Identifiers: Orphanet 140162, MedGen C0027672, MeSH D009386, MONDO:0015356.

gnomAD v4.1: 1 of 1,613,980 alleles (0.000062%); highest among the groups gnomAD compares: Non-Finnish European, 0.000085%; no homozygotes.

Submission:

Color Diagnostics, LLC DBA Color Health
Classification: Uncertain significance for Hereditary cancer-predisposing syndrome. Last evaluated: 2025-07-07. Review status: criteria provided, single submitter. Criteria: ACMG Guidelines, 2015. Collection method: clinical testing. Allele origin: germline.
Comment: This missense variant replaces alanine with threonine at codon 231 of the BMPR1A protein. Computational prediction suggests that this variant may have deleterious impact on protein structure and function. To our knowledge, functional studies have not been reported for this variant. This variant has not been reported in individuals affected with BMPR1A-related disorders in the literature. This variant has been identified in 1/251404 chromosomes in the general population by the Genome Aggregation Database (gnomAD). The available evidence is insufficient to determine the role of this variant in disease conclusively. Therefore, this variant is classified as a Variant of Uncertain Significance.